The following is an entry in ClinVar:

ClinVar aggregate classification (germline): Likely benign (1 of 4 stars; one submission).

Allele frequency attached by ClinVar (database versions not stated): gnomAD exomes 0.00136; ExAC 0.00205; ESP Exome Variant Server 0.00261; gnomAD 0.00267; TOPMed 0.00342; 1000 Genomes Project 0.00419; 1000 Genomes Project 30x 0.00468.
gnomAD v4.1: 2,491 of 1,603,094 alleles (0.16%); highest among the groups gnomAD compares: Middle Eastern, 2.9%; 19 homozygotes.

Submission:

CeGaT Center for Human Genetics Tuebingen
Classification: Likely benign. Last evaluated: 2023-03-01. Review status: criteria provided, single submitter. Criteria: CeGaT Center For Human Genetics Tuebingen Variant Classification Criteria Version 2. Collection method: clinical testing. Allele origin: germline. Affected: yes. Observed: 1 variant allele.
Comment: SULT1C2: BS2

NM_001056.4(SULT1C2):c.382T>C (p.Tyr128His)

Gene: SULT1C2 (sulfotransferase family 1C member 2; plus strand). Cytogenetic location: 2q12.3.
Variant type: single nucleotide variant.
Coding change: c.382T>C on transcript NM_001056.4 (MANE Select); coding-DNA position 382, T replaced by C.
Protein change: p.Tyr128His; replaces tyrosine 128 with histidine.
Molecular consequence: missense variant.
Genome position (GRCh38, 1-based): chr2:108,304,580, T>C. VCF-style: chr2-108304580-T-C. GRCh37 (hg19) VCF-style: chr2-108921036-T-C.
Other names: c.415T>C, p.Tyr139His (NM_176825.3); short protein forms Y128H, Y139H.
Identifiers: ClinVar variation 2651244 (VCV002651244.24), dbSNP rs17036091, ClinGen allele CA1819733.